The following is an entry in ClinVar:

NM_003108.4(SOX11):c.963G>T (p.Gln321His)

Gene: SOX11 (SRY-box transcription factor 11; plus strand). Cytogenetic location: 2p25.2.
Variant type: single nucleotide variant.
Coding change: c.963G>T on transcript NM_003108.4 (MANE Select); coding-DNA position 963, G replaced by T.
Protein change: p.Gln321His; replaces glutamine 321 with histidine.
Molecular consequence: missense variant.
Genome position (GRCh38, 1-based): chr2:5,693,684, G>T. VCF-style: chr2-5693684-G-T. GRCh37 (hg19) VCF-style: chr2-5833816-G-T.
Other names: short protein forms Q321H.
Identifiers: ClinVar variation 3672138 (VCV003672138.2).

ClinVar aggregate classification (germline): Uncertain significance (1 of 4 stars; one submission).

gnomAD v4.1: 30 of 1,598,762 alleles (0.0019%); highest among the groups gnomAD compares: Non-Finnish European, 0.0025%; no homozygotes.

Submission:

Labcorp Genetics (formerly Invitae), Labcorp
Classification: Uncertain significance. Last evaluated: 2025-01-30. Review status: criteria provided, single submitter. Criteria: Invitae Variant Classification Sherloc (09022015). Collection method: clinical testing. Allele origin: germline.
Comment: This sequence change replaces glutamine, which is neutral and polar, with histidine, which is basic and polar, at codon 321 of the SOX11 protein (p.Gln321His). This variant is not present in population databases (gnomAD no frequency). This variant has not been reported in the literature in individuals affected with SOX11-related conditions. Invitae Evidence Modeling of protein sequence and biophysical properties (such as structural, functional, and spatial information, amino acid conservation, physicochemical variation, residue mobility, and thermodynamic stability) indicates that this missense variant is not expected to disrupt SOX11 protein function with a negative predictive value of 95%. In summary, the available evidence is currently insufficient to determine the role of this variant in disease. Therefore, it has been classified as a Variant of Uncertain Significance.